The following is an entry in ClinVar:

NM_007327.4(GRIN1):c.1294AAG[1] (p.Lys433del)

Gene: GRIN1 (glutamate ionotropic receptor NMDA type subunit 1; plus strand). Cytogenetic location: 9q34.3.
Variant type: Microsatellite.
Coding change: c.1294AAG[1] on transcript NM_007327.4 (MANE Select); one copy of the 3-base unit AAG starting at c.1294; the reference has two copies in a row; one copy, 3 bases deleted.
Protein change: p.Lys433del; deletes lysine 433.
Molecular consequence: inframe deletion.
Genome position (GRCh38, 1-based): chr9:137,161,155-137,161,157, AAG deleted; deleting any 3 consecutive bases within chr9:137,161,152-137,161,157 gives the same sequence; the position shown is the placement nearest the transcript's 3' end. VCF-style (leftmost placement, unchanged base first): chr9-137161151-CAAG-C. GRCh37 (hg19) VCF-style: chr9-140055603-CAAG-C.
Other names: c.1294AAG[1], p.Lys433del (NM_000832.7, NM_021569.4); c.1357AAG[1], p.Lys454del (NM_001185090.2, NM_001185091.2, NM_001437330.1 and 1 more transcripts); short protein forms K433del, K454del.
Identifiers: ClinVar variation 4691104 (VCV004691104.1).
Genomic context (GRCh38, chr9:137,161,151, plus strand): 5'-CAAGCCCACGCTGAGTGATGGGACATGCAAGGAGGAGTTCACAGTCAACGGCGACCCAGT[CAAG>C]AAGGTGATCTGCACCGGGCCCAACGACACGTCGCCGGGCAGCCGTGAGTGCGCGGGGCAG-3'

ClinVar aggregate classification (germline): Uncertain significance (1 of 4 stars; one submission).

Conditions:
Neurodevelopmental disorder with or without hyperkinetic movements and seizures, autosomal dominant. Also called: Intellectual disability, autosomal dominant 8. Identifiers: MedGen C3280282, MONDO:0013655, OMIM 614254.

Submission:

Labcorp Genetics (formerly Invitae), Labcorp
Classification: Uncertain significance for Neurodevelopmental disorder with or without hyperkinetic movements and seizures, autosomal dominant. Last evaluated: 2025-11-12. Review status: criteria provided, single submitter. Criteria: Invitae Variant Classification Sherloc (09022015). Collection method: clinical testing. Allele origin: germline.
Comment: This variant, c.1297_1299del, results in the deletion of 1 amino acid(s) of the GRIN1 protein (p.Lys433del), but otherwise preserves the integrity of the reading frame. This variant is present in population databases (rs768074099, gnomAD 0.003%). This variant has not been reported in the literature in individuals affected with GRIN1-related conditions. In summary, the available evidence is currently insufficient to determine the role of this variant in disease. Therefore, it has been classified as a Variant of Uncertain Significance.